The following is an entry in ClinVar:

ClinVar aggregate classification (germline): Uncertain significance (1 of 4 stars; one submission).

gnomAD v4.1: 6 of 1,613,342 alleles (0.00037%); highest among the groups gnomAD compares: Admixed American, 0.0017%; no homozygotes.

Submission:

Labcorp Genetics (formerly Invitae), Labcorp
Classification: Uncertain significance. Last evaluated: 2025-03-19. Review status: criteria provided, single submitter. Criteria: Invitae Variant Classification Sherloc (09022015). Collection method: clinical testing. Allele origin: germline.
Comment: This sequence change replaces glutamine, which is neutral and polar, with arginine, which is basic and polar, at codon 109 of the TRAF3IP1 protein (p.Gln109Arg). This variant is not present in population databases (gnomAD no frequency). This variant has not been reported in the literature in individuals affected with TRAF3IP1-related conditions. Invitae Evidence Modeling of protein sequence and biophysical properties (such as structural, functional, and spatial information, amino acid conservation, physicochemical variation, residue mobility, and thermodynamic stability) indicates that this missense variant is expected to disrupt TRAF3IP1 protein function with a positive predictive value of 80%. In summary, the available evidence is currently insufficient to determine the role of this variant in disease. Therefore, it has been classified as a Variant of Uncertain Significance.

NM_015650.4(TRAF3IP1):c.326A>G (p.Gln109Arg)

Gene: TRAF3IP1 (TRAF3 interacting protein 1; plus strand). Cytogenetic location: 2q37.3.
Variant type: single nucleotide variant.
Coding change: c.326A>G on transcript NM_015650.4 (MANE Select); coding-DNA position 326, A replaced by G.
Protein change: p.Gln109Arg; replaces glutamine 109 with arginine.
Molecular consequence: missense variant.
Genome position (GRCh38, 1-based): chr2:238,325,942, A>G. VCF-style: chr2-238325942-A-G. GRCh37 (hg19) VCF-style: chr2-239234583-A-G.
Other names: c.326A>G, p.Gln109Arg (NM_001139490.1); short protein forms Q109R.
Identifiers: ClinVar variation 4775222 (VCV004775222.1).
Genomic context (GRCh38, chr2:238,325,942, plus strand): 5'-TGGCCAAACCAGCCCGAATCGTGGCGGGGCATGAGCCTGAAAGAACAAACGAGCTGCTCC[A>G]GATAATTGGAAAATGCTGTCTCAACAAGGTACTACTGCTGTCCTGGCATTTTGAACTTAC-3'
Protein context (NP_056465.2, residues 99-119): HEPERTNELL[Gln109Arg]IIGKCCLNKL